The following is an entry in ClinVar:

ClinVar aggregate classification (germline): Uncertain significance. Review status: criteria provided, multiple submitters, no conflicts (2 of 4 stars). 2 submissions from 2 submitters: Uncertain significance (2). Last evaluated 2021-08-28.

Conditions:
Primary ciliary dyskinesia 27. Also called: CILIARY DYSKINESIA, PRIMARY, 27, WITHOUT SITUS INVERSUS. Identifiers: Orphanet 244, MedGen C3809701, MONDO:0014215, OMIM 615504.

Allele frequency attached by ClinVar (database versions not stated): gnomAD below 0.00001 and 0.00005; gnomAD exomes 0.00005 and 0.00011; ExAC 0.00013; 1000 Genomes Project 0.00040; 1000 Genomes Project 30x 0.00062.
gnomAD v4.1: 77 of 1,611,258 alleles (0.0048%); highest among the groups gnomAD compares: South Asian, 0.079%; no homozygotes.

Submissions (2):

Labcorp Genetics (formerly Invitae), Labcorp
Classification: Uncertain significance for Primary ciliary dyskinesia 27. Last evaluated: 2021-08-28. Review status: criteria provided, single submitter. Criteria: Invitae Variant Classification Sherloc (09022015). Collection method: clinical testing. Allele origin: germline.
Comment: This sequence change replaces asparagine with lysine at codon 53 of the CCDC65 protein (p.Asn53Lys). The asparagine residue is moderately conserved and there is a moderate physicochemical difference between asparagine and lysine. This variant is present in population databases (rs533380794, ExAC 0.09%). This variant has not been reported in the literature in individuals affected with CCDC65-related conditions. Algorithms developed to predict the effect of missense changes on protein structure and function are either unavailable or do not agree on the potential impact of this missense change (SIFT: "Tolerated"; PolyPhen-2: "Possibly Damaging"; Align-GVGD: "Class C0"). In summary, the available evidence is currently insufficient to determine the role of this variant in disease. Therefore, it has been classified as a Variant of Uncertain Significance.

GeneDx
Classification: Uncertain significance. Last evaluated: 2019-04-23. Review status: criteria provided, single submitter. Criteria: GeneDx Variant Classification Process June 2021. Collection method: clinical testing. Allele origin: germline. Affected: yes.
Comment: In silico analysis, which includes protein predictors and evolutionary conservation, supports that this variant does not alter protein structure/function; Has not been previously published as pathogenic or benign to our knowledge

NM_033124.5(DRC2):c.159C>G (p.Asn53Lys)

Gene: DRC2 (dynein regulatory complex subunit 2; plus strand). Cytogenetic location: 12q13.12.
Variant type: single nucleotide variant.
Coding change: c.159C>G on transcript NM_033124.5 (MANE Select); coding-DNA position 159, C replaced by G.
Protein change: p.Asn53Lys; replaces asparagine 53 with lysine.
Molecular consequence: missense variant. On other transcripts: 5 prime UTR variant (1).
Genome position (GRCh38, 1-based): chr12:48,904,972, C>G. VCF-style: chr12-48904972-C-G. GRCh37 (hg19) VCF-style: chr12-49298755-C-G.
Other names: c.-271C>G (NM_001286957.2); short protein forms N53K.
Identifiers: ClinVar variation 945447 (VCV000945447.8), dbSNP rs533380794, ClinGen allele CA6543169.